The following is an entry in ClinVar:

NM_138691.3(TMC1):c.1348C>T (p.Leu450Phe)

Gene: TMC1 (transmembrane channel like 1; plus strand). Cytogenetic location: 9q21.13.
Variant type: single nucleotide variant.
Coding change: c.1348C>T on transcript NM_138691.3 (MANE Select); coding-DNA position 1348, C replaced by T.
Protein change: p.Leu450Phe; replaces leucine 450 with phenylalanine.
Molecular consequence: missense variant.
Genome position (GRCh38, 1-based): chr9:72,792,009, C>T. VCF-style: chr9-72792009-C-T. GRCh37 (hg19) VCF-style: chr9-75406925-C-T.
Other names: short protein forms L450F.
Identifiers: ClinVar variation 4755719 (VCV004755719.1).

ClinVar aggregate classification (germline): Uncertain significance (1 of 4 stars; one submission).

gnomAD v4.1: 23 of 1,613,936 alleles (0.0014%); highest among the groups gnomAD compares: South Asian, 0.021%; no homozygotes.

Submission:

GeneDx
Classification: Uncertain significance. Last evaluated: 2025-08-07. Review status: criteria provided, single submitter. Criteria: GeneDx Variant Classification Process June 2021. Collection method: clinical testing. Allele origin: germline. Affected: yes.
Comment: In silico analysis suggests that this missense variant does not alter protein structure/function; Has not been previously published as pathogenic or benign to our knowledge